The following is an entry in ClinVar:

NM_176819.4(DIPK2B):c.428G>T (p.Arg143Leu)

Gene: DIPK2B (divergent protein kinase domain 2B; minus strand). Cytogenetic location: Xp11.3.
Variant type: single nucleotide variant.
Coding change: c.428G>T on transcript NM_176819.4 (MANE Select); coding-DNA position 428, G replaced by T.
Protein change: p.Arg143Leu; replaces arginine 143 with leucine.
Molecular consequence: missense variant.
Genome position (GRCh38, 1-based): chrX:45,191,821, C>A on the plus strand (G>T on the coding strand, the complement: DIPK2B is on the minus strand). VCF-style: chrX-45191821-C-A. GRCh37 (hg19) VCF-style: chrX-45051066-C-A.
Other names: c.428G>T, p.Arg143Leu (NM_024689.3); short protein forms R143L.
Identifiers: ClinVar variation 3033826 (VCV003033826.2), dbSNP rs144500092, ClinGen allele CA10393026.

ClinVar aggregate classification (germline): Benign (0 of 4 stars; one submission).

Conditions:
DIPK2B-related disorder. Also called: DIPK2B-related condition.

Allele frequency attached by ClinVar (database versions not stated): ESP Exome Variant Server 0.00028; 1000 Genomes Project 30x 0.00395.
gnomAD v4.1: 1,403 of 1,210,636 alleles (0.12%); highest among the groups gnomAD compares: Admixed American, 2.7%; 17 homozygotes.

Submission:

PreventionGenetics, part of Exact Sciences
Classification: Benign for DIPK2B-related condition. Last evaluated: 2019-10-01. Review status: no assertion criteria provided. Collection method: clinical testing. Allele origin: germline.
Comment: This variant is classified as benign based on ACMG/AMP sequence variant interpretation guidelines (Richards et al. 2015 PMID: 25741868, with internal and published modifications).